The following is an entry in ClinVar:

ClinVar aggregate classification (germline): Pathogenic (1 of 4 stars; one submission).

Submission:

Labcorp Genetics (formerly Invitae), Labcorp
Classification: Pathogenic. Last evaluated: 2024-11-29. Review status: criteria provided, single submitter. Criteria: Invitae Variant Classification Sherloc (09022015). Collection method: clinical testing. Allele origin: germline.
Comment: This sequence change creates a premature translational stop signal (p.Tyr271*) in the TBCE gene. It is expected to result in an absent or disrupted protein product. Loss-of-function variants in TBCE are known to be pathogenic (PMID: 27666369, 34134906, 34356170). This variant is not present in population databases (gnomAD no frequency). This variant has not been reported in the literature in individuals affected with TBCE-related conditions. Algorithms developed to predict the effect of sequence changes on RNA splicing suggest that this variant may disrupt the consensus splice site. For these reasons, this variant has been classified as Pathogenic.

Literature cited by the submitters: PubMed 27666369; PubMed 34134906; PubMed 34356170.

NM_003193.5(TBCE):c.813T>G (p.Tyr271Ter)

Gene: TBCE (tubulin folding cofactor E; plus strand). Cytogenetic location: 1q42.3.
Variant type: single nucleotide variant.
Coding change: c.813T>G on transcript NM_003193.5 (MANE Select); coding-DNA position 813, T replaced by G.
Protein change: p.Tyr271Ter; replaces tyrosine 271 with a stop codon.
Molecular consequence: nonsense.
Genome position (GRCh38, 1-based): chr1:235,435,820, T>G. VCF-style: chr1-235435820-T-G. GRCh37 (hg19) VCF-style: chr1-235599135-T-G.
Other names: c.813T>G, p.Tyr271Ter (NM_001079515.3); c.966T>G, p.Tyr322Ter (NM_001287801.2); c.474T>G, p.Tyr158Ter (NM_001287802.2); short protein forms Y322*, Y158*, Y271*.
Identifiers: ClinVar variation 3725419 (VCV003725419.2).
Genomic context (GRCh38, chr1:235,435,820, plus strand): 5'-CCAGACAGTCAAGTTATTAGATCTTTCCTCTAATCAATTAATTGATGAAAATCAGCTGTA[T>G]CTGATAGCCCACCTGCCCAGGTAATTTGCCCCTAAATGCCTGATACAATAGTGTTCAGTC-3'